The following is an entry in ClinVar:

NM_001042631.3(SDHAF1):c.17G>C (p.Arg6Pro)

Gene: SDHAF1 (succinate dehydrogenase complex assembly factor 1; plus strand). Cytogenetic location: 19q13.12.
Variant type: single nucleotide variant.
Coding change: c.17G>C on transcript NM_001042631.3 (MANE Select); coding-DNA position 17, G replaced by C.
Protein change: p.Arg6Pro; replaces arginine 6 with proline.
Molecular consequence: missense variant.
Genome position (GRCh38, 1-based): chr19:35,995,291, G>C. VCF-style: chr19-35995291-G-C. GRCh37 (hg19) VCF-style: chr19-36486193-G-C.
Other names: c.17G>C (NM_001042631.2); short protein forms R6P.
Identifiers: ClinVar variation 1490232 (VCV001490232.6), dbSNP rs1478223520, ClinGen allele CA405422761.

ClinVar aggregate classification (germline): Uncertain significance. Review status: criteria provided, multiple submitters, no conflicts (2 of 4 stars). 2 submissions from 2 submitters: Uncertain significance (2). Last evaluated 2022-08-22.

Conditions:
Inborn genetic diseases. Identifiers: MedGen C0950123, MeSH D030342.

Allele frequency attached by ClinVar (database versions not stated): gnomAD exomes 0.00001; TOPMed 0.00002.
gnomAD v4.1: 17 of 1,542,228 alleles (0.0011%); highest among the groups gnomAD compares: African/African-American, 0.0014%; no homozygotes.

Submissions (2):

Labcorp Genetics (formerly Invitae), Labcorp
Classification: Uncertain significance. Last evaluated: 2022-08-22. Review status: criteria provided, single submitter. Criteria: Invitae Variant Classification Sherloc (09022015). Collection method: clinical testing. Allele origin: germline.
Comment: This sequence change replaces arginine, which is basic and polar, with proline, which is neutral and non-polar, at codon 6 of the SDHAF1 protein (p.Arg6Pro). This variant is not present in population databases (gnomAD no frequency). This variant has not been reported in the literature in individuals affected with SDHAF1-related conditions. ClinVar contains an entry for this variant (Variation ID: 1490232). Algorithms developed to predict the effect of missense changes on protein structure and function (SIFT, PolyPhen-2, Align-GVGD) all suggest that this variant is likely to be disruptive. In summary, the available evidence is currently insufficient to determine the role of this variant in disease. Therefore, it has been classified as a Variant of Uncertain Significance.

Ambry Genetics
Classification: Uncertain significance for Inborn genetic diseases. Last evaluated: 2022-08-17. Review status: criteria provided, single submitter. Criteria: Ambry Variant Classification Scheme 2023. Collection method: clinical testing. Allele origin: germline.